The following is an entry in ClinVar:

NC_000016.10:g.(?_722760)_(726377_?)dup

Gene: CCDC78 (coiled-coil domain containing 78; minus strand). Cytogenetic location: 16p13.3.
Variant type: Duplication.
Identifiers: ClinVar variation 830766 (VCV000830766.1).

ClinVar aggregate classification (germline): Uncertain significance (1 of 4 stars; one submission).

Conditions:
Congenital myopathy with internal nuclei and atypical cores. Also called: Myopathy, centronuclear, 4. Identifiers: Orphanet 319160, MedGen C4707232, MONDO:0013890, OMIM 614807.

Submission:

Labcorp Genetics (formerly Invitae), Labcorp
Classification: Uncertain significance for Myopathy, centronuclear, 4. Last evaluated: 2019-04-17. Review status: criteria provided, single submitter. Criteria: Invitae Variant Classification Sherloc (09022015). Collection method: clinical testing. Allele origin: germline.
Comment: This variant results in a copy number gain of the genomic region encompassing the full coding sequence of the CCDC78 gene. The boundaries of this event are unknown as they extend beyond the assayed region for this gene and therefore may encompass additional genes. As the precise location of this event is unknown, it may be in tandem or it may be located elsewhere in the genome. This variant has not been reported in the literature in individuals with CCDC78-related conditions. In summary, the available evidence is currently insufficient to determine the role of this variant in disease. Therefore, it has been classified as a Variant of Uncertain Significance.